The following is an entry in ClinVar:

NM_178170.3(NEK8):c.548A>T (p.Lys183Met)

Gene: NEK8 (NIMA related kinase 8; plus strand). Cytogenetic location: 17q11.2.
Variant type: single nucleotide variant.
Coding change: c.548A>T on transcript NM_178170.3 (MANE Select); coding-DNA position 548, A replaced by T.
Protein change: p.Lys183Met; replaces lysine 183 with methionine.
Molecular consequence: missense variant.
Genome position (GRCh38, 1-based): chr17:28,735,301, A>T. VCF-style: chr17-28735301-A-T. GRCh37 (hg19) VCF-style: chr17-27062319-A-T.
Other names: short protein forms K183M.
Identifiers: ClinVar variation 4981610 (VCV004981610.1).

ClinVar aggregate classification (germline): Uncertain significance (1 of 4 stars; one submission).

Conditions:
NEK8-related disorder. Also called: NEK8-related condition.

gnomAD v4.1: 2 of 1,614,096 alleles (0.00012%); highest among the groups gnomAD compares: Non-Finnish European, 0.00017%; no homozygotes.

Submission:

PreventionGenetics, part of Exact Sciences
Classification: Uncertain significance for NEK8-related condition. Last evaluated: 2024-12-19. Review status: criteria provided, single submitter. Criteria: ACMG Guidelines, 2015. Collection method: clinical testing. Allele origin: germline.
Comment: The NEK8 c.548A>T variant is predicted to result in the amino acid substitution p.Lys183Met. To our knowledge, this variant has not been reported in the literature or in a large population database (gnomAD), indicating this variant is rare. At this time, the clinical significance of this variant is uncertain due to the absence of conclusive functional and genetic evidence.